The following is an entry in ClinVar:

ClinVar aggregate classification (germline): Uncertain significance (1 of 4 stars; one submission).

Allele frequency attached by ClinVar (database versions not stated): gnomAD exomes below 0.00001; ExAC 0.00001.
gnomAD v4.1: 2 of 1,613,892 alleles (0.00012%); highest among the groups gnomAD compares: South Asian, 0.0011%; no homozygotes.

Submission:

Labcorp Genetics (formerly Invitae), Labcorp
Classification: Uncertain significance. Last evaluated: 2021-04-24. Review status: criteria provided, single submitter. Criteria: Invitae Variant Classification Sherloc (09022015). Collection method: clinical testing. Allele origin: germline.
Comment: In summary, the available evidence is currently insufficient to determine the role of this variant in disease. Therefore, it has been classified as a Variant of Uncertain Significance. Algorithms developed to predict the effect of missense changes on protein structure and function are either unavailable or do not agree on the potential impact of this missense change (SIFT: "Not Available"; PolyPhen-2: "Benign"; Align-GVGD: "Not Available"). This variant has not been reported in the literature in individuals with ADAMTS18-related conditions. This variant is present in population databases (rs768111531, ExAC 0.002%). This sequence change replaces proline with serine at codon 1049 of the ADAMTS18 protein (p.Pro1049Ser). The proline residue is highly conserved and there is a moderate physicochemical difference between proline and serine.

NM_199355.4(ADAMTS18):c.3145C>T (p.Pro1049Ser)

Gene: ADAMTS18 (ADAM metallopeptidase with thrombospondin type 1 motif 18; minus strand). Cytogenetic location: 16q23.1.
Variant type: single nucleotide variant.
Coding change: c.3145C>T on transcript NM_199355.4 (MANE Select); coding-DNA position 3145, C replaced by T.
Protein change: p.Pro1049Ser; replaces proline 1049 with serine.
Molecular consequence: missense variant.
Genome position (GRCh38, 1-based): chr16:77,293,120, G>A on the plus strand (C>T on the coding strand, the complement: ADAMTS18 is on the minus strand). VCF-style: chr16-77293120-G-A. GRCh37 (hg19) VCF-style: chr16-77327017-G-A.
Other names: c.2629C>T, p.Pro877Ser (NM_001326358.2); short protein forms P1049S, P877S.
Identifiers: ClinVar variation 1001063 (VCV001001063.7), dbSNP rs768111531, ClinGen allele CA8180605.